The following is an entry in ClinVar:

ClinVar aggregate classification (germline): Uncertain significance (1 of 4 stars; one submission).

Conditions:
Congenital heart defects, multiple types, 2 (CHTD2). Also called: Congenital heart defects, nonsyndromic, 2. Identifiers: Orphanet 664401, MedGen C3554279, MONDO:0014000, OMIM 614980.

Submission:

MVZ Medizinische Genetik Mainz
Classification: Uncertain significance for Congenital heart defects, multiple types, 2. Last evaluated: 2026-09-18. Review status: criteria provided, single submitter. Criteria: UK Practice Guidelines For Variant Classification V4 01 2020. Collection method: clinical testing. Allele origin: germline. Inheritance: Autosomal dominant inheritance. Affected: yes. Observed: 2 variant alleles.
Comment: ACMG Criteria: PM2_SUP,PP3

NM_001292034.3(TAB2):c.1604-12TG[2]

Gene: TAB2 (TGF-beta activated kinase 1 (MAP3K7) binding protein 2; plus strand). Cytogenetic location: 6q25.1.
Variant type: Microsatellite.
Coding change: c.1604-12TG[2] on transcript NM_001292034.3 (MANE Select); two copies in a row of the 2-base unit TG starting at c.1604-12.
Molecular consequence: intron variant.
Genome position: GRCh38 VCF-style: chr6-149397591-ATG-A. GRCh37 (hg19) VCF-style: chr6-149718727-ATG-A.
Other names: c.1508-12TG[2] (NM_001292035.3); c.1604-12TG[2] (NM_001369506.1, NM_015093.6).
Identifiers: ClinVar variation 5038113 (VCV005038113.1).
Genomic context (GRCh38, chr6:149,397,591, plus strand): 5'-GCTTTTCCAAGTCTGCTTAAAGGTTAATTGATTAAAGTGGGTGGGTCCTCATGTTTACTA[ATG>A]TGTGTTGCAGCTCTTTTGGTACACCAGAAGGCCAGAATGGAACGACTTCAAAGAGAACTT-3'